The following is an entry in ClinVar:

NM_000051.4(ATM):c.5675-5G>A

Gene: ATM (ATM serine/threonine kinase; plus strand). Cytogenetic location: 11q22.3.
Variant type: single nucleotide variant.
Coding change: c.5675-5G>A on transcript NM_000051.4 (MANE Select); 5 bases into the intron before coding-DNA position 5675, G replaced by A.
Molecular consequence: intron variant.
Genome position (GRCh38, 1-based): chr11:108,307,892, G>A. VCF-style: chr11-108307892-G-A. GRCh37 (hg19) VCF-style: chr11-108178619-G-A.
Other names: c.5675-5G>A (NM_001351834.2).
Identifiers: ClinVar variation 825888 (VCV000825888.5), dbSNP rs1591731701, ClinGen allele CA915947635.

ClinVar aggregate classification (germline): Uncertain significance (1 of 4 stars; one submission).

Conditions:
Hereditary cancer-predisposing syndrome. Also called: Hereditary Cancer Syndrome; Tumor predisposition; Neoplastic Syndromes, Hereditary; Hereditary neoplastic syndrome. Identifiers: Orphanet 140162, MedGen C0027672, MeSH D009386, MONDO:0015356.

Submission:

Ambry Genetics
Classification: Uncertain significance for Hereditary cancer-predisposing syndrome. Last evaluated: 2026-02-04. Review status: criteria provided, single submitter. Criteria: Ambry Variant Classification Scheme 2023. Collection method: clinical testing. Allele origin: germline.
Comment: The c.5675-5G>A intronic variant results from a G to A substitution 5 nucleotides upstream from coding exon 37 in the ATM gene. This nucleotide position is not well conserved in available vertebrate species. In silico splice site analysis predicts that this alteration will not have any significant effect on splicing. Based on the available evidence, the clinical significance of this variant remains unclear.